The following is an entry in ClinVar:

ClinVar aggregate classification (germline): Uncertain significance. Review status: criteria provided, multiple submitters, no conflicts (2 of 4 stars). 2 submissions from 2 submitters: Uncertain significance (2). Last evaluated 2026-05-19.

Conditions:
Developmental and epileptic encephalopathy 94 (DEE94). Also called: CHD2-Related Neurodevelopmental Disorders; Epileptic encephalopathy, childhood-onset. Identifiers: Orphanet 1942, Orphanet 2382, MedGen C3809278, MONDO:0014150, OMIM 615369.

Allele frequency attached by ClinVar (database versions not stated): gnomAD 0.00001; gnomAD exomes below 0.00001; TOPMed below 0.00001.
gnomAD v4.1: 4 of 1,613,628 alleles (0.00025%); highest among the groups gnomAD compares: Admixed American, 0.0017%; no homozygotes.

Submissions (2):

Women's Health and Genetics/Laboratory Corporation of America, LabCorp
Classification: Uncertain significance. Last evaluated: 2026-05-19. Review status: criteria provided, single submitter. Criteria: LabCorp Variant Classification Summary - May 2015. Collection method: clinical testing. Allele origin: germline.
Comment: Variant summary: CHD2 c.3803G>A (p.Arg1268His) results in a non-conservative amino acid change in the encoded protein sequence. Algorithms developed to predict the effect of missense changes on protein structure and function are either unavailable or do not agree on the potential impact of this missense change. The variant allele was found at a frequency of 4e-06 in 250958 control chromosomes. The available data on variant occurrences in the general population are insufficient to allow any conclusion about variant significance. To our knowledge, no occurrence of c.3803G>A in individuals affected with CHD2-related conditions and no experimental evidence demonstrating its impact on protein function have been reported. ClinVar contains an entry for this variant (Variation ID: 648951). Based on the evidence outlined above, the variant was classified as uncertain significance.

Labcorp Genetics (formerly Invitae), Labcorp
Classification: Uncertain significance for Developmental and epileptic encephalopathy 94. Last evaluated: 2023-12-27. Review status: criteria provided, single submitter. Criteria: Invitae Variant Classification Sherloc (09022015). Collection method: clinical testing. Allele origin: germline.
Comment: This sequence change replaces arginine, which is basic and polar, with histidine, which is basic and polar, at codon 1268 of the CHD2 protein (p.Arg1268His). This variant is present in population databases (no rsID available, gnomAD 0.003%). This variant has not been reported in the literature in individuals affected with CHD2-related conditions. ClinVar contains an entry for this variant (Variation ID: 648951). Advanced modeling of protein sequence and biophysical properties (such as structural, functional, and spatial information, amino acid conservation, physicochemical variation, residue mobility, and thermodynamic stability) performed at Invitae indicates that this missense variant is not expected to disrupt CHD2 protein function with a negative predictive value of 95%. In summary, the available evidence is currently insufficient to determine the role of this variant in disease. Therefore, it has been classified as a Variant of Uncertain Significance.

NM_001271.4(CHD2):c.3803G>A (p.Arg1268His)

Gene: CHD2 (chromodomain helicase DNA binding protein 2; plus strand). Cytogenetic location: 15q26.1.
Variant type: single nucleotide variant.
Coding change: c.3803G>A on transcript NM_001271.4 (MANE Select); coding-DNA position 3803, G replaced by A.
Protein change: p.Arg1268His; replaces arginine 1268 with histidine.
Molecular consequence: missense variant.
Genome position (GRCh38, 1-based): chr15:92,997,321, G>A. VCF-style: chr15-92997321-G-A. GRCh37 (hg19) VCF-style: chr15-93540551-G-A.
Other names: short protein forms R1268H.
Identifiers: ClinVar variation 648951 (VCV000648951.8), dbSNP rs1410226460, ClinGen allele CA393898496.